The following is an entry in ClinVar:

ClinVar aggregate classification (germline): Uncertain significance. Review status: criteria provided, multiple submitters, no conflicts (2 of 4 stars). 3 submissions from 3 submitters: Uncertain significance (3). Last evaluated 2025-11-24.

Conditions:
Polyps, multiple and recurrent inflammatory fibroid, gastrointestinal. Identifiers: MedGen C5193005, MONDO:0008285, OMIM 175510.
Gastrointestinal stromal tumor. Also called: Gastrointestinal stroma tumor; Gastrointestinal stromal tumor, somatic. Identifiers: Orphanet 44890, MedGen C0238198, MeSH D046152, MONDO:0011719, OMIM 606764, HP:0100723.
Hereditary cancer-predisposing syndrome. Also called: Tumor predisposition; Neoplastic Syndromes, Hereditary; Hereditary Cancer Syndrome; Hereditary neoplastic syndrome. Identifiers: Orphanet 140162, MedGen C0027672, MeSH D009386, MONDO:0015356.

Submissions (3):

Ambry Genetics
Classification: Uncertain significance for Hereditary cancer-predisposing syndrome. Last evaluated: 2025-11-24. Review status: criteria provided, single submitter. Criteria: Ambry Variant Classification Scheme 2023. Collection method: clinical testing. Allele origin: germline.
Comment: The p.A518T variant (also known as c.1552G>A), located in coding exon 9 of the PDGFRA gene, results from a G to A substitution at nucleotide position 1552. The alanine at codon 518 is replaced by threonine, an amino acid with similar properties. This amino acid position is conserved. In addition, this alteration is predicted to be tolerated by in silico analysis. Since supporting evidence is limited at this time, the clinical significance of this alteration remains unclear.

Labcorp Genetics (formerly Invitae), Labcorp
Classification: Uncertain significance for Gastrointestinal stromal tumor. Last evaluated: 2025-01-26. Review status: criteria provided, single submitter. Criteria: Invitae Variant Classification Sherloc (09022015). Collection method: clinical testing. Allele origin: germline.
Comment: This sequence change replaces alanine, which is neutral and non-polar, with threonine, which is neutral and polar, at codon 518 of the PDGFRA protein (p.Ala518Thr). This variant is not present in population databases (gnomAD no frequency). This variant has not been reported in the literature in individuals affected with PDGFRA-related conditions. ClinVar contains an entry for this variant (Variation ID: 1720353). Invitae Evidence Modeling of protein sequence and biophysical properties (such as structural, functional, and spatial information, amino acid conservation, physicochemical variation, residue mobility, and thermodynamic stability) indicates that this missense variant is not expected to disrupt PDGFRA protein function with a negative predictive value of 80%. In summary, the available evidence is currently insufficient to determine the role of this variant in disease. Therefore, it has been classified as a Variant of Uncertain Significance.

St. Jude Molecular Pathology, St. Jude Children's Research Hospital
Classification: Uncertain significance for Polyps, multiple and recurrent inflammatory fibroid, gastrointestinal. Last evaluated: 2022-10-26. Review status: criteria provided, single submitter. Criteria: St. Jude Assertion Criteria 2020. Collection method: clinical testing. Allele origin: germline.
Comment: The PDGFRA c.1552G>A (p.Ala518Thr) missense change is absent in gnomAD v2.1.1. The in silico tool REVEL predicts a benign effect on protein function, but to our knowledge this prediction has not been confirmed by functional studies. To our knowledge, this variant has not been reported in individuals with PDGFRA-related conditions. In summary, the evidence currently available is insufficient to determine the clinical significance of this variant. It has therefore been classified as of uncertain significance.

NM_006206.6(PDGFRA):c.1552G>A (p.Ala518Thr)

Gene: PDGFRA (platelet derived growth factor receptor alpha; plus strand). Cytogenetic location: 4q12.
Variant type: single nucleotide variant.
Coding change: c.1552G>A on transcript NM_006206.6 (MANE Select); coding-DNA position 1552, G replaced by A.
Protein change: p.Ala518Thr; replaces alanine 518 with threonine.
Molecular consequence: missense variant.
Genome position (GRCh38, 1-based): chr4:54,273,724, G>A. VCF-style: chr4-54273724-G-A. GRCh37 (hg19) VCF-style: chr4-55139891-G-A.
Other names: c.1552G>A (NM_006206.5); c.1552G>A, p.Ala518Thr (NM_001347827.2, NM_001347829.2); c.1627G>A, p.Ala543Thr (NM_001347828.2); c.1591G>A, p.Ala531Thr (NM_001347830.2); short protein forms A518T, A531T, A543T.
Identifiers: ClinVar variation 1720353 (VCV001720353.9), dbSNP rs372546959, ClinGen allele CA356892798.